The following is an entry in ClinVar:

ClinVar aggregate classification (germline): Conflicting classifications of pathogenicity. Review status: criteria provided, conflicting classifications (1 of 4 stars). 3 submissions from 3 submitters: Uncertain significance (1); Likely benign (2). Last evaluated 2025-11-01.

Allele frequency attached by ClinVar (database versions not stated): gnomAD 0.00001; TOPMed 0.00001; gnomAD exomes 0.00004 and 0.00013; ExAC 0.00024; 1000 Genomes Project 30x 0.00031.
gnomAD v4.1: 67 of 1,570,332 alleles (0.0043%); highest among the groups gnomAD compares: South Asian, 0.066%; 1 homozygote.

Submissions (3):

Labcorp Genetics (formerly Invitae), Labcorp
Classification: Likely benign. Last evaluated: 2025-11-01. Review status: criteria provided, single submitter. Criteria: Invitae Variant Classification Sherloc (09022015). Collection method: clinical testing. Allele origin: germline.

Women's Health and Genetics/Laboratory Corporation of America, LabCorp
Classification: Uncertain significance. Last evaluated: 2025-01-20. Review status: criteria provided, single submitter. Criteria: LabCorp Variant Classification Summary - May 2015. Collection method: clinical testing. Allele origin: germline.
Comment: Variant summary: COL9A3 c.1162-4C>A alters a non-conserved nucleotide located close to a canonical splice site and therefore could affect mRNA splicing, leading to a significantly altered protein sequence. Consensus agreement among computation tools predict no significant impact on normal splicing. However, these predictions have yet to be confirmed by functional studies. The variant allele was found at a frequency of 0.00013 in 182492 control chromosomes in the gnomAD database, including 1 homozygotes. This frequency is not significantly higher than estimated for a pathogenic variant in COL9A3 causing Epiphyseal Dysplasia, Multiple, 3, allowing no conclusion about variant significance. To our knowledge, no occurrence of c.1162-4C>A in individuals affected with Epiphyseal Dysplasia, Multiple, 3 and no experimental evidence demonstrating its impact on protein function have been reported. ClinVar contains an entry for this variant (Variation ID: 1092970). Based on the evidence outlined above, the variant was classified as uncertain significance.

Blueprint Genetics
Classification: Likely benign. Last evaluated: 2024-01-30. Review status: criteria provided, single submitter. Criteria: ACMG Guidelines, 2015. Collection method: clinical testing. Allele origin: germline.

NM_001853.4(COL9A3):c.1162-4C>A

Gene: COL9A3 (collagen type IX alpha 3 chain; plus strand). Cytogenetic location: 20q13.33.
Variant type: single nucleotide variant.
Coding change: c.1162-4C>A on transcript NM_001853.4 (MANE Select); 4 bases into the intron before coding-DNA position 1162, C replaced by A.
Molecular consequence: intron variant.
Genome position (GRCh38, 1-based): chr20:62,830,356, C>A. VCF-style: chr20-62830356-C-A. GRCh37 (hg19) VCF-style: chr20-61461708-C-A.
Identifiers: ClinVar variation 1092970 (VCV001092970.12), dbSNP rs768927833, ClinGen allele CA9949806.